The following is an entry in ClinVar:

NM_003797.5(EED):c.647G>A (p.Arg216Gln)

Gene: EED (embryonic ectoderm development; plus strand). Cytogenetic location: 11q14.2.
Variant type: single nucleotide variant.
Coding change: c.647G>A on transcript NM_003797.5 (MANE Select); coding-DNA position 647, G replaced by A.
Protein change: p.Arg216Gln; replaces arginine 216 with glutamine.
Molecular consequence: missense variant.
Genome position (GRCh38, 1-based): chr11:86,264,184, G>A. VCF-style: chr11-86264184-G-A. GRCh37 (hg19) VCF-style: chr11-85975226-G-A.
Other names: c.647G>A, p.Arg216Gln (NM_001308007.2, NM_001330334.2); short protein forms R216Q.
Identifiers: ClinVar variation 2631004 (VCV002631004.1), dbSNP rs2495851985, ClinGen allele CA382004397.

ClinVar aggregate classification (germline): Uncertain significance (1 of 4 stars; one submission).

Conditions:
EED-related disorder. Also called: EED-related condition.

gnomAD v4.1: 1 of 1,613,482 alleles (0.000062%); no homozygotes.

Submission:

PreventionGenetics, part of Exact Sciences
Classification: Uncertain significance for EED-related condition. Last evaluated: 2023-10-13. Review status: criteria provided, single submitter. Criteria: ACMG Guidelines, 2015. Collection method: clinical testing. Allele origin: germline.
Comment: The EED c.647G>A variant is predicted to result in the amino acid substitution p.Arg216Gln. To our knowledge, this variant has not been reported in the literature or in a large population database, indicating this variant is rare. At this time, the clinical significance of this variant is uncertain due to the absence of conclusive functional and genetic evidence.